The following is an entry in ClinVar:

ClinVar aggregate classification (germline): Uncertain significance (1 of 4 stars; one submission).

Conditions:
Cardiovascular phenotype. Identifiers: MedGen CN230736.

Submission:

Ambry Genetics
Classification: Uncertain significance for Cardiovascular phenotype. Last evaluated: 2021-09-07. Review status: criteria provided, single submitter. Criteria: Ambry Variant Classification Scheme 2023. Collection method: clinical testing. Allele origin: germline.
Comment: The p.A57S variant (also known as c.169G>T), located in coding exon 2 of the TBX1 gene, results from a G to T substitution at nucleotide position 169. The alanine at codon 57 is replaced by serine, an amino acid with similar properties. This amino acid position is conserved. In addition, this alteration is predicted to be tolerated by in silico analysis. Since supporting evidence is limited at this time, the clinical significance of this alteration remains unclear.

NM_001379200.1(TBX1):c.196G>T (p.Ala66Ser)

Gene: TBX1 (T-box transcription factor 1; plus strand). Cytogenetic location: 22q11.21.
Variant type: single nucleotide variant.
Coding change: c.196G>T on transcript NM_001379200.1 (MANE Select); coding-DNA position 196, G replaced by T.
Protein change: p.Ala66Ser; replaces alanine 66 with serine.
Molecular consequence: missense variant.
Genome position (GRCh38, 1-based): chr22:19,761,039, G>T. VCF-style: chr22-19761039-G-T. GRCh37 (hg19) VCF-style: chr22-19748562-G-T.
Other names: c.169G>T, p.Ala57Ser (NM_005992.1, NM_080646.2, NM_080647.1); short protein forms A57S, A66S.
Identifiers: ClinVar variation 1778316 (VCV001778316.2), dbSNP rs892361291, ClinGen allele CA410681353.